The following is an entry in ClinVar:

NM_022841.7(RFX7):c.1752T>A (p.Asn584Lys)

Gene: RFX7 (regulatory factor X7; minus strand). Cytogenetic location: 15q21.3.
Variant type: single nucleotide variant.
Coding change: c.1752T>A on transcript NM_022841.7 (MANE Select); coding-DNA position 1752, T replaced by A.
Protein change: p.Asn584Lys; replaces asparagine 584 with lysine.
Molecular consequence: missense variant.
Genome position (GRCh38, 1-based): chr15:56,095,976, A>T on the plus strand (T>A on the coding strand, the complement: RFX7 is on the minus strand). VCF-style: chr15-56095976-A-T. GRCh37 (hg19) VCF-style: chr15-56388174-A-T.
Other names: c.1461T>A, p.Asn487Lys (NM_001368073.2, NM_001368074.1, NM_001370554.1); c.1752T>A, p.Asn584Lys (NM_001370561.1); short protein forms N487K, N584K.
Identifiers: ClinVar variation 3903117 (VCV003903117.1).
Genomic context (GRCh38, chr15:56,095,976, plus strand): 5'-ACTTTTACATTTGGTCCTCTGGTCACAGACCTTAGTTGCTTTTATTTCAATGACACCTTC[A>T]TTTGAAGGTTTCTGCAGTGCTCCGTCTGTATTACTTTTCTGCCCCAAAAGGGCACTAGGT-3'
Protein context (NP_073752.6, residues 574-594): NTDGALQKPS[Asn584Lys]EGVIEIKATK

ClinVar aggregate classification (germline): Uncertain significance (1 of 4 stars; one submission).

Submission:

GeneDx
Classification: Uncertain significance. Last evaluated: 2024-12-13. Review status: criteria provided, single submitter. Criteria: GeneDx Variant Classification Process June 2021. Collection method: clinical testing. Allele origin: germline. Affected: yes.
Comment: Not observed at significant frequency in large population cohorts (gnomAD); In silico analysis indicates that this missense variant does not alter protein structure/function; Has not been previously published as pathogenic or benign to our knowledge